The following is an entry in ClinVar:

NM_147196.3(TMIE):c.14C>G (p.Pro5Arg)

Gene: TMIE (transmembrane inner ear; plus strand). Cytogenetic location: 3p21.31.
Variant type: single nucleotide variant.
Coding change: c.14C>G on transcript NM_147196.3 (MANE Select); coding-DNA position 14, C replaced by G.
Protein change: p.Pro5Arg; replaces proline 5 with arginine.
Molecular consequence: missense variant. On other transcripts: intron variant (2).
Genome position (GRCh38, 1-based): chr3:46,701,501, C>G. VCF-style: chr3-46701501-C-G. GRCh37 (hg19) VCF-style: chr3-46742991-C-G.
Other names: c.14C>G (NM_147196.2); c.-66-4289C>G (NM_001370524.1, NM_001370525.1); short protein forms P5R.
Identifiers: ClinVar variation 1427527 (VCV001427527.10), dbSNP rs948846775, ClinGen allele CA352478178.

ClinVar aggregate classification (germline): Uncertain significance. Review status: criteria provided, multiple submitters, no conflicts (2 of 4 stars). 2 submissions from 2 submitters: Uncertain significance (2). Last evaluated 2025-11-11.

Allele frequency attached by ClinVar (database versions not stated): gnomAD 0.00002 and 0.00003; gnomAD exomes 0.00025.
gnomAD v4.1: 7 of 1,342,766 alleles (0.00052%); highest among the groups gnomAD compares: Admixed American, 0.02%; no homozygotes.

Submissions (2):

GeneDx
Classification: Uncertain significance. Last evaluated: 2025-11-11. Review status: criteria provided, single submitter. Criteria: GeneDx Variant Classification Process June 2021. Collection method: clinical testing. Allele origin: germline. Affected: yes.
Comment: In silico analysis suggests that this missense variant does not alter protein structure/function; Has not been previously published as pathogenic or benign to our knowledge

Labcorp Genetics (formerly Invitae), Labcorp
Classification: Uncertain significance. Last evaluated: 2022-06-27. Review status: criteria provided, single submitter. Criteria: Invitae Variant Classification Sherloc (09022015). Collection method: clinical testing. Allele origin: germline.
Comment: This variant has not been reported in the literature in individuals affected with TMIE-related conditions. Algorithms developed to predict the effect of missense changes on protein structure and function are either unavailable or do not agree on the potential impact of this missense change (SIFT: "Tolerated"; PolyPhen-2: "Not Available"; Align-GVGD: "Class C0"). In summary, the available evidence is currently insufficient to determine the role of this variant in disease. Therefore, it has been classified as a Variant of Uncertain Significance. This sequence change replaces proline, which is neutral and non-polar, with arginine, which is basic and polar, at codon 5 of the TMIE protein (p.Pro5Arg). This variant is not present in population databases (gnomAD no frequency).